The following is an entry in ClinVar:

ClinVar aggregate classification (germline): Uncertain significance. Review status: criteria provided, multiple submitters, no conflicts (2 of 4 stars). 2 submissions from 2 submitters: Uncertain significance (2). Last evaluated 2025-11-01.

Allele frequency attached by ClinVar (database versions not stated): ExAC 0.00001; gnomAD exomes 0.00001; TOPMed 0.00003.
gnomAD v4.1: 10 of 1,614,054 alleles (0.00062%); highest among the groups gnomAD compares: Middle Eastern, 0.049%; no homozygotes.

Submissions (2):

Labcorp Genetics (formerly Invitae), Labcorp
Classification: Uncertain significance. Last evaluated: 2025-11-01. Review status: criteria provided, single submitter. Criteria: Invitae Variant Classification Sherloc (09022015). Collection method: clinical testing. Allele origin: germline.
Comment: This sequence change replaces cysteine, which is neutral and slightly polar, with tyrosine, which is neutral and polar, at codon 467 of the NPAT protein (p.Cys467Tyr). This variant is present in population databases (rs746284331, gnomAD no frequency). This variant has not been reported in the literature in individuals affected with NPAT-related conditions. ClinVar contains an entry for this variant (Variation ID: 1771794). An algorithm developed to predict the effect of missense changes on protein structure and function (PolyPhen-2) suggests that this variant is likely to be disruptive. In summary, the available evidence is currently insufficient to determine the role of this variant in disease. Therefore, it has been classified as a Variant of Uncertain Significance.

Ambry Genetics
Classification: Uncertain significance. Last evaluated: 2023-08-02. Review status: criteria provided, single submitter. Criteria: Ambry Variant Classification Scheme 2023. Collection method: clinical testing. Allele origin: germline.
Comment: The p.C467Y variant (also known as c.1400G>A), located in coding exon 13 of the NPAT gene, results from a G to A substitution at nucleotide position 1400. The cysteine at codon 467 is replaced by tyrosine, an amino acid with highly dissimilar properties. This amino acid position is conserved. In addition, the in silico prediction for this alteration is inconclusive. Since supporting evidence is limited at this time, the clinical significance of this alteration remains unclear.

NM_002519.3(NPAT):c.1400G>A (p.Cys467Tyr)

Gene: NPAT (nuclear protein, coactivator of histone transcription; minus strand). Cytogenetic location: 11q22.3.
Variant type: single nucleotide variant.
Coding change: c.1400G>A on transcript NM_002519.3 (MANE Select); coding-DNA position 1400, G replaced by A.
Protein change: p.Cys467Tyr; replaces cysteine 467 with tyrosine.
Molecular consequence: missense variant.
Genome position (GRCh38, 1-based): chr11:108,173,584, C>T on the plus strand (G>A on the coding strand, the complement: NPAT is on the minus strand). VCF-style: chr11-108173584-C-T. GRCh37 (hg19) VCF-style: chr11-108044311-C-T.
Other names: c.1400G>A, p.Cys467Tyr (NM_001321307.1); short protein forms C467Y.
Identifiers: ClinVar variation 1771794 (VCV001771794.4), dbSNP rs746284331, ClinGen allele CA6264003.